The following is an entry in ClinVar:

NM_000770.3(CYP2C8):c.332-7_332-6dup

Gene: CYP2C8 (cytochrome P450 family 2 subfamily C member 8; minus strand). Cytogenetic location: 10q23.33.
Variant type: Duplication.
Coding change: c.332-7_332-6dup on transcript NM_000770.3 (MANE Select); 7 bases into the intron before coding-DNA position 332 through 6 bases into the intron before coding-DNA position 332, 2 bases duplicated (TT; older notation c.332-7_332-6dupTT).
Molecular consequence: intron variant.
Genome position (GRCh38, 1-based): chr10:95,067,363-95,067,364, AA duplicated on the plus strand (TT on the coding strand, the reverse complement: CYP2C8 is on the minus strand); duplicating any 2 consecutive bases within chr10:95,067,363-95,067,369 gives the same sequence; the c. name uses the placement nearest the transcript's 3' end. VCF-style (leftmost placement, unchanged base first): chr10-95067362-T-TAA. GRCh37 (hg19) VCF-style: chr10-96827119-T-TAA.
Other names: c.26-7_26-6dup (NM_001198854.1); c.122-7_122-6dup (NM_001198853.1, NM_001198855.1); c.332-7_332-6dupTT (NM_000770.3).
Identifiers: ClinVar variation 3043359 (VCV003043359.2), dbSNP rs11572078, ClinGen allele CA5617821.

ClinVar aggregate classification (germline): Likely benign (0 of 4 stars; one submission).

Conditions:
CYP2C8-related disorder. Also called: CYP2C8-related condition.

Submission:

PreventionGenetics, part of Exact Sciences
Classification: Likely benign for CYP2C8-related condition. Last evaluated: 2019-06-20. Review status: no assertion criteria provided. Collection method: clinical testing. Allele origin: germline.
Comment: This variant is classified as likely benign based on ACMG/AMP sequence variant interpretation guidelines (Richards et al. 2015 PMID: 25741868, with internal and published modifications).